The following is an entry in ClinVar:

NM_004699.4(FAM50A):c.394G>C (p.Glu132Gln)

Gene: FAM50A (family with sequence similarity 50 member A; plus strand). Cytogenetic location: Xq28.
Variant type: single nucleotide variant.
Coding change: c.394G>C on transcript NM_004699.4 (MANE Select); coding-DNA position 394, G replaced by C.
Protein change: p.Glu132Gln; replaces glutamic acid 132 with glutamine.
Molecular consequence: missense variant.
Genome position (GRCh38, 1-based): chrX:154,446,512, G>C. VCF-style: chrX-154446512-G-C. GRCh37 (hg19) VCF-style: chrX-153674860-G-C.
Other names: short protein forms E132Q.
Identifiers: ClinVar variation 3376461 (VCV003376461.1).

ClinVar aggregate classification (germline): Uncertain significance (1 of 4 stars; one submission).

Conditions:
Armfield syndrome (MRXSA). Identifiers: Orphanet 85276, MedGen C1846057, MONDO:0010284, OMIM 300261.

Submission:

Pittsburgh Clinical Genomics Laboratory, University of Pittsburgh Medical Center
Classification: Uncertain significance for Armfield syndrome. Last evaluated: 2024-07-01. Review status: criteria provided, single submitter. Criteria: ACMG Guidelines, 2015. Collection method: clinical testing. Allele origin: germline. Inheritance: X-linked recessive inheritance. Affected: yes.
Comment: This sequence variant is a single nucleotide substitution (G>C) at position 394 of the coding sequence of the FAM50A gene that results in a glutamic acid to glutamine amino acid change at residue 132 of the family with sequence similarity 50 member A protein. This variant is absent from ClinVar and has not been observed in individuals affected by a FAM50A-related disorder in the published literature, to our knowledge. This variant is present in 4 of 1188496 alleles (0.0003%) in the gnomAD v4.1.0 population dataset. Multiple bioinformatic tools predict that this amino acid change would be neutral, and the Glu132 residue at this position is moderately conserved across the vertebrate species examined. Studies examining the functional consequence of this variant have not been published, to our knowledge. At this time, there is insufficient evidence to determine if this variant is pathogenic or benign. Therefore, we consider this a variant of uncertain significance. ACMG Criteria: BP4, PM2